The following is an entry in ClinVar:

NM_000152.5(GAA):c.712C>T (p.Pro238Ser)

Gene: GAA (alpha glucosidase; plus strand). Cytogenetic location: 17q25.3.
Variant type: single nucleotide variant.
Coding change: c.712C>T on transcript NM_000152.5 (MANE Select); coding-DNA position 712, C replaced by T.
Protein change: p.Pro238Ser; replaces proline 238 with serine.
Molecular consequence: missense variant.
Genome position (GRCh38, 1-based): chr17:80,107,576, C>T. VCF-style: chr17-80107576-C-T. GRCh37 (hg19) VCF-style: chr17-78081375-C-T.
Other names: c.712C>T, p.Pro238Ser (NM_001079803.3, NM_001079804.3); short protein forms P238S.
Identifiers: ClinVar variation 1700891 (VCV001700891.8), dbSNP rs1294294268, ClinGen allele CA401363074.

ClinVar aggregate classification (germline): Uncertain significance. Review status: criteria provided, multiple submitters, no conflicts (2 of 4 stars). 3 submissions from 3 submitters: Uncertain significance (3). Last evaluated 2024-12-02.

Conditions:
Glycogen storage disease, type II (IOPD). Also called: GLYCOGENOSIS, GENERALIZED, CARDIAC FORM; GSD II; Glucosidase acid-1,4-alpha deficiency; POMPE DISEASE, INFANTILE-ONSET; GLYCOGEN STORAGE DISEASE II, INFANTILE-ONSET; ACID ALPHA-GLUCOSIDASE DEFICIENCY, INFANTILE-ONSET. Identifiers: Orphanet 365, MedGen C0017921, MONDO:0009290, OMIM 232300.

Allele frequency attached by ClinVar (database versions not stated): gnomAD exomes below 0.00001; TOPMed 0.00002.
gnomAD v4.1: 4 of 1,613,106 alleles (0.00025%); highest among the groups gnomAD compares: Admixed American, 0.0017%; no homozygotes.

Submissions (3):

Labcorp Genetics (formerly Invitae), Labcorp
Classification: Uncertain significance for Glycogen storage disease, type II. Last evaluated: 2024-12-02. Review status: criteria provided, single submitter. Criteria: Invitae Variant Classification Sherloc (09022015). Collection method: clinical testing. Allele origin: germline.
Comment: This sequence change replaces proline, which is neutral and non-polar, with serine, which is neutral and polar, at codon 238 of the GAA protein (p.Pro238Ser). This variant is present in population databases (no rsID available, gnomAD 0.0009%). This variant has not been reported in the literature in individuals affected with GAA-related conditions. ClinVar contains an entry for this variant (Variation ID: 1700891). Invitae Evidence Modeling of protein sequence and biophysical properties (such as structural, functional, and spatial information, amino acid conservation, physicochemical variation, residue mobility, and thermodynamic stability) has been performed for this missense variant. However, the output from this modeling did not meet the statistical confidence thresholds required to predict the impact of this variant on GAA protein function. In summary, the available evidence is currently insufficient to determine the role of this variant in disease. Therefore, it has been classified as a Variant of Uncertain Significance.

GeneDx
Classification: Uncertain significance. Last evaluated: 2022-02-10. Review status: criteria provided, single submitter. Criteria: GeneDx Variant Classification Process June 2021. Collection method: clinical testing. Allele origin: germline. Affected: yes.
Comment: Not observed at significant frequency in large population cohorts (gnomAD); In silico analysis supports that this missense variant has a deleterious effect on protein structure/function; Has not been previously published as pathogenic or benign to our knowledge

Revvity Omics, Revvity
Classification: Uncertain significance. Last evaluated: 2022-01-06. Review status: criteria provided, single submitter. Criteria: ACMG Guidelines, 2015. Collection method: clinical testing. Allele origin: germline.